The following is an entry in ClinVar:

NM_000488.4(SERPINC1):c.490C>T (p.Arg164Ter)

Gene: SERPINC1 (serpin family C member 1; minus strand). Cytogenetic location: 1q25.1.
Variant type: single nucleotide variant.
Coding change: c.490C>T on transcript NM_000488.4 (MANE Select); coding-DNA position 490, C replaced by T.
Protein change: p.Arg164Ter; replaces arginine 164 with a stop codon.
Molecular consequence: nonsense. On other transcripts: intron variant (1).
Genome position (GRCh38, 1-based): chr1:173,911,933, G>A on the plus strand (C>T on the coding strand, the complement: SERPINC1 is on the minus strand). VCF-style: chr1-173911933-G-A. GRCh37 (hg19) VCF-style: chr1-173881071-G-A.
Other names: p.Arg164*; NM_000488.4(SERPINC1):c.490C>T; p.Arg164Ter; c.346C>T, p.Arg116Ter (NM_001365052.2); c.490C>T, p.Arg164Ter (NM_001386302.1, NM_001386304.1, NM_001386305.1); c.571C>T, p.Arg191Ter (NM_001386303.1); c.409-1042C>T (NM_001386306.1); short protein forms R116*, R164*, R191*.
Identifiers: ClinVar variation 2429353 (VCV002429353.6), dbSNP rs199469504, ClinGen allele CA32781302.
Genomic context (GRCh38, chr1:173,911,933, plus strand): 5'-GGGATTTGTCTCCAAAAAGGCGATTGGCTGATACTAACTTGGAGGATTTGTTGGCTTTTC[G>A]ATAGAGTCGGCAGTTCAGTTTGGCAAAGAAGAAGTGGATCTGATCAGATGTTTTCTCAGA-3'

ClinVar aggregate classification (germline): Pathogenic. Review status: reviewed by expert panel (3 of 4 stars). 4 submissions from 4 submitters: Pathogenic (1). 3 of the submissions do not count toward it. Last evaluated 2026-02-20.

Conditions:
Hereditary antithrombin deficiency (AT3D). Also called: Antithrombin III deficiency; Thrombophilia due to antithrombin III deficiency; Reduced antithrombin III activity; Antithrombin deficiency. Identifiers: Orphanet 82, MedGen C0272375, MONDO:0013144, OMIM 613118, HP:0001976.

Submissions (4):

Clingen Thrombosis Variant Curation Expert Panel, ClinGen
Classification: Pathogenic for Hereditary antithrombin deficiency. Last evaluated: 2026-02-20. Review status: reviewed by expert panel. Criteria: ClinGen ACMG Specifications SERPINC1 V1.0.0. Collection method: curation. Allele origin: germline. Inheritance: Autosomal dominant inheritance.
Comment: The NM_000488.4(SERPINC1):c.490C>T;p.Arg164Ter variant in SERPINC1 is a nonsense variant predicted to cause a premature stop codon in biologically-relevant-exon 3/7 leading to nonsense mediated decay in a gene in which loss-of-function is an established disease mechanism (PVS1). This variant is absent from gnomAD v4.1.0 (PM2_Supporting). This variant has been reported in 2 probands meeting an antithrombin activity level of < 0.8 IU/mL (PS4_Supporting; PMID:29153735). In summary, this variant meets the criteria to be classified as pathogenic for autosomal dominant hereditary antithrombin deficiency based on the ACMG/AMP criteria applied, as specified by the ClinGen Thrombosis VCEP v1.1.0: PVS1, PS4_Supporting, PM2_Supporting.

Labcorp Genetics (formerly Invitae), Labcorp
Classification: Pathogenic for Hereditary antithrombin deficiency. Last evaluated: 2025-12-03. Review status: criteria provided, single submitter. Criteria: Invitae Variant Classification Sherloc (09022015). Collection method: clinical testing. Allele origin: germline. Not counted in ClinVar's aggregate classification.
Comment: This sequence change creates a premature translational stop signal (p.Arg164*) in the SERPINC1 gene. It is expected to result in an absent or disrupted protein product. Loss-of-function variants in SERPINC1 are known to be pathogenic (PMID: 21264449). This variant is not present in population databases (gnomAD no frequency). This premature translational stop signal has been observed in individual(s) with antithrombin III deficiency (PMID: 29153735). ClinVar contains an entry for this variant (Variation ID: 2429353). For these reasons, this variant has been classified as Pathogenic.

Mayo Clinic Laboratories, Mayo Clinic
Classification: Pathogenic. Last evaluated: 2023-12-21. Review status: criteria provided, single submitter. Criteria: ACMG Guidelines, 2015. Collection method: clinical testing. Allele origin: germline. Observed: 1 variant allele. Not counted in ClinVar's aggregate classification.
Comment: PP1, PM2_moderate, PS4, PVS1

Molecular Diagnostics Laboratory, M Health Fairview: University of Minnesota
Classification: Likely pathogenic for Hereditary antithrombin deficiency. Last evaluated: 2023-01-09. Review status: criteria provided, single submitter. Criteria: ACMG Guidelines, 2015. Collection method: clinical testing. Allele origin: germline. Affected: yes. Not counted in ClinVar's aggregate classification.

Literature cited by the submitters: PubMed 21264449 (cited by Labcorp Genetics (formerly Invitae), Labcorp); PubMed 29153735 (cited by Labcorp Genetics (formerly Invitae), Labcorp and Mayo Clinic Laboratories, Mayo Clinic); PubMed 22398878 (cited by Mayo Clinic Laboratories, Mayo Clinic); PubMed 25298121 (cited by Mayo Clinic Laboratories, Mayo Clinic); PubMed 28300866 (cited by Mayo Clinic Laboratories, Mayo Clinic); PubMed 29040284 (cited by Mayo Clinic Laboratories, Mayo Clinic); PubMed 8664906 (cited by Mayo Clinic Laboratories, Mayo Clinic).